The following is an entry in ClinVar:

NM_001164508.2(NEB):c.6183+1G>A

Gene: NEB (nebulin; minus strand). Cytogenetic location: 2q23.3.
Variant type: single nucleotide variant.
Coding change: c.6183+1G>A on transcript NM_001164508.2 (MANE Select); the canonical splice donor site of the intron after coding-DNA position 6183, G replaced by A.
Molecular consequence: splice donor variant.
Genome position (GRCh38, 1-based): chr2:151,657,982, C>T on the plus strand (G>A on the coding strand, the complement: NEB is on the minus strand). VCF-style: chr2-151657982-C-T. GRCh37 (hg19) VCF-style: chr2-152514496-C-T.
Other names: c.6183+1G>A (NM_004543.5, NM_001164507.2, NM_001271208.2).
Identifiers: ClinVar variation 557392 (VCV000557392.9), dbSNP rs557870969, ClinGen allele CA57637425.
Genomic context (GRCh38, chr2:151,657,982, plus strand): 5'-GCCCTTATTATTTCGGTTCCTTAGAAACCCCCAGCCAGGTGACCGTTTCCTTTGGACTTA[C>T]ATCACTTGCAATATCTCTGGAAGCCTTGGCAGCTTTGATAGGAATTGCATCAGGTCTGAG-3'

ClinVar aggregate classification (germline): Likely pathogenic. Review status: criteria provided, single submitter (1 of 4 stars). 2 submissions from 2 submitters: Likely pathogenic (1). 1 of the submissions does not count toward it. Last evaluated 2018-10-31.

Conditions:
Nemaline myopathy 2 (NEM2). Also called: Nemaline myopathy 2, autosomal recessive. Identifiers: MedGen C1850569, MONDO:0009725, OMIM 256030.

Allele frequency attached by ClinVar (database versions not stated): gnomAD exomes below 0.00001; gnomAD 0.00001; 1000 Genomes Project 30x 0.00016; 1000 Genomes Project 0.00020.
gnomAD v4.1: 3 of 1,593,728 alleles (0.00019%); highest among the groups gnomAD compares: East Asian, 0.0022%; no homozygotes.

Submissions (2):

Labcorp Genetics (formerly Invitae), Labcorp
Classification: Likely pathogenic for Nemaline myopathy 2. Last evaluated: 2018-10-31. Review status: criteria provided, single submitter. Criteria: Invitae Variant Classification Sherloc (09022015). Collection method: clinical testing. Allele origin: germline.
Comment: In summary, the currently available evidence indicates that the variant is pathogenic, but additional data are needed to prove that conclusively. Therefore, this variant has been classified as Likely Pathogenic. Donor and acceptor splice site variants typically lead to a loss of protein function (PMID: 16199547), and loss-of-function variants in NEB are known to be pathogenic (PMID: 25205138). This variant has not been reported in the literature in individuals with NEB-related disease. ClinVar contains an entry for this variant (Variation ID: 557392). This variant is not present in population databases (ExAC no frequency). This sequence change affects a donor splice site in intron 48 of the NEB gene. It is expected to disrupt RNA splicing and likely results in an absent or disrupted protein product.

Counsyl
Classification: Likely pathogenic for Nemaline myopathy 2. Last evaluated: 2018-03-23. Review status: no assertion criteria provided. Collection method: clinical testing. Allele origin: unknown. Not counted in ClinVar's aggregate classification.

Literature cited by the submitters: PubMed 16199547 (cited by Labcorp Genetics (formerly Invitae), Labcorp); PubMed 25205138 (cited by Labcorp Genetics (formerly Invitae), Labcorp).